The following is an entry in ClinVar:

ClinVar aggregate classification (germline): Uncertain significance (1 of 4 stars; one submission).

Conditions:
Hereditary pheochromocytoma and paraganglioma. Also called: Hereditary pheochromocytoma-paraganglioma; Hereditary Paraganglioma-Pheochromocytoma Syndromes; Hereditary paragangliomas and pheochromocytomas. Identifiers: Orphanet 29072, MedGen C4274332, MONDO:0017366.

gnomAD v4.1: 1 of 1,614,076 alleles (0.000062%); highest among the groups gnomAD compares: Non-Finnish European, 0.000085%; no homozygotes.

Submission:

All of Us Research Program, National Institutes of Health
Classification: Uncertain significance for Hereditary pheochromocytoma and paraganglioma. Last evaluated: 2023-08-08. Review status: criteria provided, single submitter. Criteria: ACMG Guidelines, 2015. Collection method: clinical testing. Allele origin: germline. Inheritance: Autosomal dominant inheritance. Observed: 1 variant allele, 1 heterozygote.
Comment: This variant causes a G to T nucleotide substitution at the -14 position in the 5' untranslated region in the SDHC gene. To our knowledge, functional studies have not been reported for this variant. This variant has not been reported in individuals affected with SDHC-related disorders in the literature. This variant has not been identified in the general population by the Genome Aggregation Database (gnomAD). The available evidence is insufficient to determine the role of this variant in disease conclusively. Therefore, this variant is classified as a Variant of Uncertain Significance.

This study involves interpretation of variants in research participants for the purpose of population health screening. Participant phenotype was not available at the time of variant classification. Additional details can be found in publication PMID: 35346344, PMCID: PMC8962531

NM_003001.5(SDHC):c.-14G>T

Gene: SDHC (succinate dehydrogenase complex subunit C; plus strand). Cytogenetic location: 1q23.3.
Variant type: single nucleotide variant.
Coding change: c.-14G>T on transcript NM_003001.5 (MANE Select); 14 bases upstream of the start codon, G replaced by T.
Molecular consequence: 5 prime UTR variant. On other transcripts: non-coding transcript variant (1).
Genome position (GRCh38, 1-based): chr1:161,314,392, G>T. VCF-style: chr1-161314392-G-T. GRCh37 (hg19) VCF-style: chr1-161284182-G-T.
Other names: c.-14G>T (NM_001035511.3, NM_001035512.3, NM_001035513.3 and 6 more transcripts); c.-574G>T (NM_001407119.1); c.-243G>T (NM_001407120.1).
Identifiers: ClinVar variation 3072560 (VCV003072560.1), dbSNP rs1248380396, ClinGen allele CA2648773851.
Genomic context (GRCh38, chr1:161,314,392, plus strand): 5'-CCCCCAGCCGGCGCGCCTCCGCCCTCGGGTGGCGGGGCCGCCTGGCGTCACTTCCGTCCA[G>T]ACCGGAACCCAAGATGGCTGCGCTGTTGCTGAGGTGACTTCAGTGGGACTGGGAGTTGGT-3'